The following is an entry in ClinVar:

NM_182931.3(KMT2E):c.3755+7C>T

Gene: KMT2E (lysine methyltransferase 2E (inactive); plus strand). Cytogenetic location: 7q22.3.
Variant type: single nucleotide variant.
Coding change: c.3755+7C>T on transcript NM_182931.3 (MANE Select); 7 bases into the intron after coding-DNA position 3755, C replaced by T.
Molecular consequence: intron variant.
Genome position (GRCh38, 1-based): chr7:105,109,235, C>T. VCF-style: chr7-105109235-C-T. GRCh37 (hg19) VCF-style: chr7-104749682-C-T.
Other names: c.3755+7C>T (NM_018682.4, NM_182931.2).
Identifiers: ClinVar variation 1599757 (VCV001599757.10), dbSNP rs369016998, ClinGen allele CA4424551.

ClinVar aggregate classification (germline): Benign/Likely benign. Review status: criteria provided, multiple submitters, no conflicts (2 of 4 stars). 3 submissions from 3 submitters: Benign (1); Likely benign (1). 1 of the submissions does not count toward it. Last evaluated 2026-01-22.

Conditions:
KMT2E-related disorder. Also called: KMT2E-related condition.

Allele frequency attached by ClinVar (database versions not stated): gnomAD exomes 0.00009 and 0.00014; ExAC 0.00012; ESP Exome Variant Server 0.00015; gnomAD 0.00033 and 0.00038; TOPMed 0.00045.
gnomAD v4.1: 195 of 1,612,462 alleles (0.012%); highest among the groups gnomAD compares: African/African-American, 0.15%; no homozygotes.

Submissions (3):

Labcorp Genetics (formerly Invitae), Labcorp
Classification: Benign. Last evaluated: 2026-01-22. Review status: criteria provided, single submitter. Criteria: Invitae Variant Classification Sherloc (09022015). Collection method: clinical testing. Allele origin: germline.

Blueprint Genetics
Classification: Likely benign. Last evaluated: 2023-12-18. Review status: criteria provided, single submitter. Criteria: ACMG Guidelines, 2015. Collection method: clinical testing. Allele origin: germline.

PreventionGenetics, part of Exact Sciences
Classification: Likely benign for KMT2E-related condition. Last evaluated: 2024-06-08. Review status: no assertion criteria provided. Collection method: clinical testing. Allele origin: germline. Not counted in ClinVar's aggregate classification.
Comment: This variant is classified as likely benign based on ACMG/AMP sequence variant interpretation guidelines (Richards et al. 2015 PMID: 25741868, with internal and published modifications).